The following is an entry in ClinVar:

ClinVar aggregate classification (germline): Uncertain significance (1 of 4 stars; one submission).

Submission:

Ambry Genetics
Classification: Uncertain significance. Last evaluated: 2017-11-09. Review status: criteria provided, single submitter. Criteria: Ambry Variant Classification Scheme 2023. Collection method: clinical testing. Allele origin: germline.
Comment: The p.L86V variant (also known as c.256C>G), located in coding exon 1 of the GALNT12 gene, results from a C to G substitution at nucleotide position 256. The leucine at codon 86 is replaced by valine, an amino acid with highly similar properties. This amino acid position is well conserved in available vertebrate species. In addition, this alteration is predicted to be tolerated by in silico analysis. Since supporting evidence is limited at this time, the clinical significance of this alteration remains unclear.

NM_024642.5(GALNT12):c.256C>G (p.Leu86Val)

Gene: GALNT12 (polypeptide N-acetylgalactosaminyltransferase 12; plus strand). Cytogenetic location: 9q22.33.
Variant type: single nucleotide variant.
Coding change: c.256C>G on transcript NM_024642.5 (MANE Select); coding-DNA position 256, C replaced by G.
Protein change: p.Leu86Val; replaces leucine 86 with valine.
Molecular consequence: missense variant.
Genome position (GRCh38, 1-based): chr9:98,807,954, C>G. VCF-style: chr9-98807954-C-G. GRCh37 (hg19) VCF-style: chr9-101570236-C-G.
Other names: short protein forms L86V.
Identifiers: ClinVar variation 1793216 (VCV001793216.2), dbSNP rs2490455920, ClinGen allele CA374222631.